The following is an entry in ClinVar:

ClinVar aggregate classification (germline): Likely pathogenic (1 of 4 stars; one submission).

Conditions:
Autosomal recessive limb-girdle muscular dystrophy type 2J (LGMDR10). Also called: MUSCULAR DYSTROPHY, LIMB-GIRDLE, AUTOSOMAL RECESSIVE 10; Limb-girdle muscular dystrophy, type 2J. Identifiers: Orphanet 140922, MedGen C1837342, MONDO:0012127, OMIM 608807.
Dilated cardiomyopathy 1G (CMD1G). Identifiers: Orphanet 154, MedGen C1858763, MONDO:0011400, OMIM 604145.

Submission:

Labcorp Genetics (formerly Invitae), Labcorp
Classification: Likely pathogenic for Dilated cardiomyopathy 1G; Autosomal recessive limb-girdle muscular dystrophy type 2J. Last evaluated: 2025-08-03. Review status: criteria provided, single submitter. Criteria: Invitae Variant Classification Sherloc (09022015). Collection method: clinical testing. Allele origin: germline.
Comment: This sequence change creates a premature translational stop signal (p.Gln15184*) in the TTN gene. While this is not anticipated to result in nonsense mediated decay, it is expected to create a truncated TTN protein. This variant is not present in population databases (gnomAD no frequency). This premature translational stop signal has been observed in individual(s) with dilated cardiomyopathy (PMID: 32041989). This variant is located in the I band of TTN (PMID: 25589632). Truncating variants in this region have been reported in individuals affected with autosomal recessive centronuclear myopathy (PMID: 23975875, internal data). Truncating variants in this region have also been identified in individuals affected with autosomal dominant dilated cardiomyopathy and/or cardio-related conditions (PMID: 27869827, 32964742, internal data). In summary, the currently available evidence indicates that the variant is pathogenic, but additional data are needed to prove that conclusively. Therefore, this variant has been classified as Likely Pathogenic.

Literature cited by the submitters: PubMed 32041989; PubMed 25589632; PubMed 23975875; PubMed 27869827; PubMed 32964742.

NM_001267550.2(TTN):c.45550C>T (p.Gln15184Ter)

Genes: TTN (titin; minus strand), LOC126806427 (BRD4-independent group 4 enhancer GRCh37_chr2:179485777-179486976; plus strand). Cytogenetic location: 2q31.2.
Variant type: single nucleotide variant.
Coding change: c.45550C>T on transcript NM_001267550.2 (MANE Select); coding-DNA position 45550, C replaced by T.
Protein change: p.Gln15184Ter; replaces glutamine 15184 with a stop codon.
Molecular consequence: nonsense.
Genome position (GRCh38, 1-based): chr2:178,621,168, G>A on the plus strand (C>T on the coding strand, the complement: TTN is on the minus strand). VCF-style: chr2-178621168-G-A. GRCh37 (hg19) VCF-style: chr2-179485895-G-A.
Other names: c.40627C>T, p.Gln13543Ter (NM_001256850.1); c.18355C>T, p.Gln6119Ter (NM_003319.4); c.37846C>T, p.Gln12616Ter (NM_133378.4); c.18730C>T, p.Gln6244Ter (NM_133432.3); c.18931C>T, p.Gln6311Ter (NM_133437.4); short protein forms Q6119*, Q12616*, Q13543*, Q15184*, Q6244*, Q6311*.
Identifiers: ClinVar variation 4794760 (VCV004794760.1).